The following is an entry in ClinVar:

ClinVar aggregate classification (germline): Uncertain significance. Review status: criteria provided, multiple submitters, no conflicts (2 of 4 stars). 4 submissions from 4 submitters: Uncertain significance (4). Last evaluated 2025-09-11.

Conditions:
Hereditary nonpolyposis colorectal neoplasms. Identifiers: MedGen C0009405, MeSH D003123.
Hereditary cancer-predisposing syndrome. Also called: Hereditary Cancer Syndrome; Hereditary neoplastic syndrome; Neoplastic Syndromes, Hereditary; Tumor predisposition. Identifiers: Orphanet 140162, MedGen C0027672, MeSH D009386, MONDO:0015356.

Allele frequency attached by ClinVar (database versions not stated): gnomAD exomes below 0.00001; TOPMed 0.00001.

Submissions (4):

Color Diagnostics, LLC DBA Color Health
Classification: Uncertain significance for Hereditary cancer-predisposing syndrome. Last evaluated: 2025-09-11. Review status: criteria provided, single submitter. Criteria: ACMG Guidelines, 2015. Collection method: clinical testing. Allele origin: germline.
Comment: This missense variant replaces glycine with glutamic acid at codon 835 of the PMS2 protein. Computational prediction is inconclusive regarding the impact of this variant on protein structure and function. To our knowledge, functional studies have not been reported for this variant. This variant has not been reported in individuals affected with PMS2-related disorders in the literature. This variant has not been identified in the general population by the Genome Aggregation Database (gnomAD). The available evidence is insufficient to determine the role of this variant in disease conclusively. Therefore, this variant is classified as a Variant of Uncertain Significance.

Women's Health and Genetics/Laboratory Corporation of America, LabCorp
Classification: Uncertain significance. Last evaluated: 2025-07-18. Review status: criteria provided, single submitter. Criteria: LabCorp Variant Classification Summary - May 2015. Collection method: clinical testing. Allele origin: germline.

Labcorp Genetics (formerly Invitae), Labcorp
Classification: Uncertain significance for Hereditary nonpolyposis colorectal neoplasms. Last evaluated: 2024-04-25. Review status: criteria provided, single submitter. Criteria: Invitae Variant Classification Sherloc (09022015). Collection method: clinical testing. Allele origin: germline.
Comment: This sequence change replaces glycine, which is neutral and non-polar, with glutamic acid, which is acidic and polar, at codon 835 of the PMS2 protein (p.Gly835Glu). The frequency data for this variant in the population databases (gnomAD) is considered unreliable due to the presence of homologous sequence, such as pseudogenes or paralogs, in the genome. This variant has not been reported in the literature in individuals affected with PMS2-related conditions. ClinVar contains an entry for this variant (Variation ID: 455701). Advanced modeling of protein sequence and biophysical properties (such as structural, functional, and spatial information, amino acid conservation, physicochemical variation, residue mobility, and thermodynamic stability) performed at Invitae indicates that this missense variant is expected to disrupt PMS2 protein function with a positive predictive value of 80%. In summary, the available evidence is currently insufficient to determine the role of this variant in disease. Therefore, it has been classified as a Variant of Uncertain Significance.

Ambry Genetics
Classification: Uncertain significance for Hereditary cancer-predisposing syndrome. Last evaluated: 2023-03-27. Review status: criteria provided, single submitter. Criteria: Ambry Variant Classification Scheme 2023. Collection method: clinical testing. Allele origin: germline.
Comment: The p.G835E variant (also known as c.2504G>A), located in coding exon 15 of the PMS2 gene, results from a G to A substitution at nucleotide position 2504. The glycine at codon 835 is replaced by glutamic acid, an amino acid with similar properties. This amino acid position is highly conserved in available vertebrate species. In addition, the in silico prediction for this alteration is inconclusive. Since supporting evidence is limited at this time, the clinical significance of this alteration remains unclear.

NM_000535.7(PMS2):c.2504G>A (p.Gly835Glu)

Gene: PMS2 (PMS1 homolog 2, mismatch repair system component; minus strand). Cytogenetic location: 7p22.1.
Variant type: single nucleotide variant.
Coding change: c.2504G>A on transcript NM_000535.7 (MANE Select); coding-DNA position 2504, G replaced by A.
Protein change: p.Gly835Glu; replaces glycine 835 with glutamic acid.
Molecular consequence: missense variant. On other transcripts: non-coding transcript variant (1).
Genome position (GRCh38, 1-based): chr7:5,973,484, C>T on the plus strand (G>A on the coding strand, the complement: PMS2 is on the minus strand). VCF-style: chr7-5973484-C-T. GRCh37 (hg19) VCF-style: chr7-6013115-C-T.
Other names: c.2099G>A, p.Gly700Glu (NM_001322003.2, NM_001322004.2, NM_001322005.2); c.2348G>A, p.Gly783Glu (NM_001322006.2); c.2186G>A, p.Gly729Glu (NM_001322007.2, NM_001322008.2); c.2132G>A, p.Gly711Glu (NM_001322009.2); c.1943G>A, p.Gly648Glu (NM_001322010.2); c.1571G>A, p.Gly524Glu (NM_001322011.2, NM_001322012.2); c.1931G>A, p.Gly644Glu (NM_001322013.2); c.2537G>A, p.Gly846Glu (NM_001322014.2); and 1 more; short protein forms G835E, G524E, G732E, G846E, G700E, G783E, G648E, G711E.
Identifiers: ClinVar variation 455701 (VCV000455701.18), dbSNP rs1454373685, ClinGen allele CA366734916.